The following is an entry in ClinVar:

NM_001378454.1(ALMS1):c.5903C>G (p.Ser1968Ter)

Gene: ALMS1 (ALMS1 centrosome and basal body associated protein; plus strand). Cytogenetic location: 2p13.1.
Variant type: single nucleotide variant.
Coding change: c.5903C>G on transcript NM_001378454.1 (MANE Select); coding-DNA position 5903, C replaced by G.
Protein change: p.Ser1968Ter; replaces serine 1968 with a stop codon.
Molecular consequence: nonsense.
Genome position (GRCh38, 1-based): chr2:73,452,430, C>G. VCF-style: chr2-73452430-C-G. GRCh37 (hg19) VCF-style: chr2-73679557-C-G.
Other names: c.5906C>G, p.Ser1969Ter (NM_015120.4); short protein forms S1969*, S1968*.
Identifiers: ClinVar variation 662562 (VCV000662562.16), dbSNP rs1490127694, ClinGen allele CA347283853.

ClinVar aggregate classification (germline): Pathogenic. Review status: criteria provided, multiple submitters, no conflicts (2 of 4 stars). 4 submissions from 4 submitters: Pathogenic (4). Last evaluated 2025-09-17.

Conditions:
Cardiovascular phenotype. Identifiers: MedGen CN230736.
Alstrom syndrome (ALMS). Identifiers: Orphanet 64, MedGen C0268425, MONDO:0008763, OMIM 203800.

Allele frequency attached by ClinVar (database versions not stated): gnomAD 0.00001; TOPMed 0.00001.
gnomAD v4.1: 1 of 1,613,896 alleles (0.000062%); highest among the groups gnomAD compares: Non-Finnish European, 0.000085%; no homozygotes.

Submissions (4):

Labcorp Genetics (formerly Invitae), Labcorp
Classification: Pathogenic for Alstrom syndrome. Last evaluated: 2025-09-17. Review status: criteria provided, single submitter. Criteria: Invitae Variant Classification Sherloc (09022015). Collection method: clinical testing. Allele origin: germline.
Comment: This sequence change creates a premature translational stop signal (p.Ser1969*) in the ALMS1 gene. It is expected to result in an absent or disrupted protein product. Loss-of-function variants in ALMS1 are known to be pathogenic (PMID: 17594715). This variant is not present in population databases (gnomAD no frequency). This premature translational stop signal has been observed in individual(s) with Alstrom syndrome (PMID: 24257694). This variant is also known as 5900C>G. ClinVar contains an entry for this variant (Variation ID: 662562). For these reasons, this variant has been classified as Pathogenic.

Natera, Inc.
Classification: Pathogenic for Alstrom syndrome. Last evaluated: 2025-01-19. Review status: criteria provided, single submitter. Criteria: Natera Variant Classification Schema (03/2026). Collection method: clinical testing. Allele origin: germline.
Comment: The c.5906C>G variant in ALMS1 is a nonsense variant predicted to introduce a stop codon at amino acid 1969. This variant is expected to result in nonsense mediated decay, truncation, or a dysfunctional protein product. This variant is rare in the general population with a frequency below the threshold expected for the associated phenotype(s). This variant has been observed in one or more individuals affected with the associated recessive disease, as either homozygous or compound heterozygous with a second variant (PMID: 24257694). Additionally, this variant has been observed to segregate in affected family members (PMID: 24257694). Given the available evidence, this variant is classified as Pathogenic.

Ambry Genetics
Classification: Pathogenic for Cardiovascular phenotype. Last evaluated: 2024-06-19. Review status: criteria provided, single submitter. Criteria: Ambry Variant Classification Scheme 2023. Collection method: clinical testing. Allele origin: germline.
Comment: The p.S1969* pathogenic mutation (also known as c.5906C>G), located in coding exon 8 of the ALMS1 gene, results from a C to G substitution at nucleotide position 5906. This changes the amino acid from a serine to a stop codon within coding exon 8. This mutation, reported as p.S1967X (c.5900C>G), has been reported in a pediatric chronic kidney disease cohort (Gee HY et al. Kidney Int, 2014 Apr;85:880-7). This variant is considered to be rare based on population cohorts in the Genome Aggregation Database (gnomAD). In addition to the clinical data presented in the literature, this alteration is expected to result in loss of function by premature protein truncation or nonsense-mediated mRNA decay. As such, this alteration is interpreted as a disease-causing mutation.

Fulgent Genetics
Classification: Pathogenic for Alstrom syndrome. Last evaluated: 2021-07-01. Review status: criteria provided, single submitter. Criteria: ACMG Guidelines, 2015. Collection method: clinical testing. Allele origin: unknown.

Literature cited by the submitters: PubMed 17594715 (cited by Labcorp Genetics (formerly Invitae), Labcorp); PubMed 24257694 (cited by 3 submitters).